The following is an entry in ClinVar:

ClinVar aggregate classification (germline): Pathogenic/Likely pathogenic. Review status: criteria provided, multiple submitters, no conflicts (2 of 4 stars). 5 submissions from 5 submitters: Pathogenic (1); Likely pathogenic (2). 2 of the submissions do not count toward it. Last evaluated 2026-02-27.

Conditions:
Glycogen storage disease, type V (GSD5). Also called: MCARDLE DISEASE; MUSCLE GLYCOGEN PHOSPHORYLASE DEFICIENCY; MYOPHOSPHORYLASE DEFICIENCY; McArdle type glycogen storage disease; PYGM DEFICIENCY. Identifiers: Orphanet 368, MedGen C0017924, MONDO:0009293, OMIM 232600.

Allele frequency attached by ClinVar (database versions not stated): gnomAD 0.00001.
gnomAD v4.1: 1 of 1,612,974 alleles (0.000062%); highest among the groups gnomAD compares: Non-Finnish European, 0.000085%; no homozygotes.

Submissions (5):

GeneDx
Classification: Likely pathogenic. Last evaluated: 2026-02-27. Review status: criteria provided, single submitter. Criteria: GeneDx Variant Classification Process June 2021. Collection method: clinical testing. Allele origin: germline.
Comment: In silico analysis supports that this missense variant has a deleterious effect on protein structure/function; Not observed at significant frequency in large population cohorts (gnomAD); Also known as p.(K542T); This variant is associated with the following publications: (PMID: 8316268)

Natera, Inc.
Classification: Likely pathogenic for Glycogen storage disease V. Last evaluated: 2024-04-02. Review status: criteria provided, single submitter. Criteria: Natera Variant Classification Schema (03/2026). Collection method: clinical testing. Allele origin: germline.
Comment: The c.1628A>C variant in PYGM is a missense variant predicted to cause substitution of lysine to threonine at amino acid 543. This variant is rare in the general population with a frequency below the threshold expected for the associated phenotype(s). This variant has been observed in one or more individuals affected with the associated recessive disease, as either homozygous or compound heterozygous with a second variant (PMID: 8316268). Additionally, this variant has been observed to segregate in affected family members (PMID: 8316268). Computational prediction algorithms indicate this variant is likely to affect gene or protein function. Given the available evidence, this variant is classified as Likely Pathogenic.

Labcorp Genetics (formerly Invitae), Labcorp
Classification: Pathogenic for Glycogen storage disease, type V. Last evaluated: 2023-11-07. Review status: criteria provided, single submitter. Criteria: Invitae Variant Classification Sherloc (09022015). Collection method: clinical testing. Allele origin: germline.
Comment: This sequence change replaces lysine, which is basic and polar, with threonine, which is neutral and polar, at codon 543 of the PYGM protein (p.Lys543Thr). This variant is not present in population databases (gnomAD no frequency). This missense change has been observed in individual(s) with McArdle disease (PMID: 8316268). In at least one individual the data is consistent with being in trans (on the opposite chromosome) from a pathogenic variant. It has also been observed to segregate with disease in related individuals. This variant is also known as p.Lys542Thr. ClinVar contains an entry for this variant (Variation ID: 2300). Advanced modeling of protein sequence and biophysical properties (such as structural, functional, and spatial information, amino acid conservation, physicochemical variation, residue mobility, and thermodynamic stability) performed at Invitae indicates that this missense variant is expected to disrupt PYGM protein function with a positive predictive value of 95%. For these reasons, this variant has been classified as Pathogenic.

OMIM
Classification: Pathogenic for MCARDLE DISEASE. Last evaluated: 1993-07-22. Review status: no assertion criteria provided. Collection method: literature only. Allele origin: germline. Not counted in ClinVar's aggregate classification.

GeneReviews
No classification provided. Condition: Glycogen storage disease, type V. Review status: no classification provided. Collection method: literature only. Allele origin: germline. Affected: yes. Not counted in ClinVar's aggregate classification.

Literature cited by the submitters: PubMed 8316268 (cited by 3 submitters); NCBI Bookshelf NBK1344 (cited by GeneReviews).

NM_005609.4(PYGM):c.1628A>C (p.Lys543Thr)

Gene: PYGM (glycogen phosphorylase, muscle associated; minus strand). Cytogenetic location: 11q13.1.
Variant type: single nucleotide variant.
Coding change: c.1628A>C on transcript NM_005609.4 (MANE Select); coding-DNA position 1628, A replaced by C.
Protein change: p.Lys543Thr; replaces lysine 543 with threonine.
Molecular consequence: missense variant.
Genome position (GRCh38, 1-based): chr11:64,752,064, T>G on the plus strand (A>C on the coding strand, the complement: PYGM is on the minus strand). VCF-style: chr11-64752064-T-G. GRCh37 (hg19) VCF-style: chr11-64519536-T-G.
Other names: MA K542t; K542T; c.1364A>C, p.Lys455Thr (NM_001164716.1); short protein forms K543T, K455T.
Identifiers: ClinVar variation 2300 (VCV000002300.14), dbSNP rs119103252, ClinGen allele CA339963.